The following is an entry in ClinVar:

NM_001003694.2(BRPF1):c.1351G>A (p.Gly451Ser)

Gene: BRPF1 (bromodomain and PHD finger containing 1; plus strand). Cytogenetic location: 3p25.3.
Variant type: single nucleotide variant.
Coding change: c.1351G>A on transcript NM_001003694.2 (MANE Select); coding-DNA position 1351, G replaced by A.
Protein change: p.Gly451Ser; replaces glycine 451 with serine.
Molecular consequence: missense variant. On other transcripts: non-coding transcript variant (1).
Genome position (GRCh38, 1-based): chr3:9,739,750, G>A. VCF-style: chr3-9739750-G-A. GRCh37 (hg19) VCF-style: chr3-9781434-G-A.
Other names: c.1351G>A, p.Gly451Ser (NM_001319049.2, NM_001319050.2, NM_001410704.1 and 7 more transcripts); short protein forms G451S.
Identifiers: ClinVar variation 4075639 (VCV004075639.1).

ClinVar aggregate classification (germline): Uncertain significance (1 of 4 stars; one submission).

gnomAD v4.1: 3 of 1,614,238 alleles (0.00019%); highest among the groups gnomAD compares: Non-Finnish European, 0.00025%; no homozygotes.

Submission:

GeneDx
Classification: Uncertain significance. Last evaluated: 2025-02-12. Review status: criteria provided, single submitter. Criteria: GeneDx Variant Classification Process June 2021. Collection method: clinical testing. Allele origin: germline. Affected: yes.
Comment: Not observed at significant frequency in large population cohorts (gnomAD); In silico analysis supports that this missense variant has a deleterious effect on protein structure/function; Has not been previously published as pathogenic or benign to our knowledge